The following is an entry in ClinVar:

ClinVar aggregate classification (germline): Uncertain significance (1 of 4 stars; one submission).

Submission:

Women's Health and Genetics/Laboratory Corporation of America, LabCorp
Classification: Uncertain significance. Last evaluated: 2025-12-10. Review status: criteria provided, single submitter. Criteria: LabCorp Variant Classification Summary - May 2015. Collection method: clinical testing. Allele origin: germline.
Comment: Variant summary: STXBP2 c.545C>T (p.Thr182Ile) results in a non-conservative amino acid change in the encoded protein sequence. Algorithms developed to predict the effect of missense changes on protein structure and function all suggest that this variant is likely to be disruptive. The variant was absent in 156024 control chromosomes. The available data on variant occurrences in the general population are insufficient to allow any conclusion about variant significance. To our knowledge, no occurrence of c.545C>T in individuals affected with STXBP2-related conditions and no experimental evidence demonstrating its impact on protein function have been reported. No submitters have cited clinical-significance assessments for this variant to ClinVar. Based on the evidence outlined above, the variant was classified as uncertain significance.

NM_006949.4(STXBP2):c.545C>T (p.Thr182Ile)

Gene: STXBP2 (syntaxin binding protein 2; plus strand). Cytogenetic location: 19p13.2.
Variant type: single nucleotide variant.
Coding change: c.545C>T on transcript NM_006949.4 (MANE Select); coding-DNA position 545, C replaced by T.
Protein change: p.Thr182Ile; replaces threonine 182 with isoleucine.
Molecular consequence: missense variant. On other transcripts: non-coding transcript variant (1).
Genome position (GRCh38, 1-based): chr19:7,641,820, C>T. VCF-style: chr19-7641820-C-T. GRCh37 (hg19) VCF-style: chr19-7706706-C-T.
Other names: c.536C>T, p.Thr179Ile (NM_001127396.3); c.578C>T, p.Thr193Ile (NM_001272034.2); c.449C>T, p.Thr150Ile (NM_001414484.1); short protein forms T150I, T179I, T182I, T193I.
Identifiers: ClinVar variation 4688412 (VCV004688412.1).
Genomic context (GRCh38, chr19:7,641,820, plus strand): 5'-CAGAGGAGCGCACGCGGCAGCTCGAGGTGCTGGCCCAGCAGATTGCCACGCTGTGCGCCA[C>T]CCTGCAGGAGTACCCGGCCATCCGCTACCGCAAGTGGGGACCCCACCCAGCCCCACCCCG-3'
Protein context (NP_008880.2, residues 172-192): LAQQIATLCA[Thr182Ile]LQEYPAIRYR